The following is an entry in ClinVar:

ClinVar aggregate classification (germline): Uncertain significance (1 of 4 stars; one submission).

Submission:

CeGaT Center for Human Genetics Tuebingen
Classification: Uncertain significance. Last evaluated: 2022-07-01. Review status: criteria provided, single submitter. Criteria: CeGaT Center For Human Genetics Tuebingen Variant Classification Criteria Version 2. Collection method: clinical testing. Allele origin: germline. Affected: yes. Observed: 1 variant allele.
Comment: SOS2: PM2

NM_006939.4(SOS2):c.3930del (p.Thr1309_Tyr1310insTer)

Gene: SOS2 (SOS Ras/Rho guanine nucleotide exchange factor 2; minus strand). Cytogenetic location: 14q21.3.
Variant type: Deletion.
Coding change: c.3930del on transcript NM_006939.4 (MANE Select); coding-DNA position 3930, one base deleted (C; older notation c.3930delC).
Protein change: p.Thr1309_Tyr1310insTer.
Molecular consequence: nonsense.
Genome position (GRCh38, 1-based): chr14:50,118,413, G deleted on the plus strand (C on the coding strand, the reverse complement: SOS2 is on the minus strand). VCF-style (leftmost placement, unchanged base first): chr14-50118412-TG-T. GRCh37 (hg19) VCF-style: chr14-50585130-TG-T.
Identifiers: ClinVar variation 1701231 (VCV001701231.31), dbSNP rs2139463075, ClinGen allele CA2580088162.